The following is an entry in ClinVar:

ClinVar aggregate classification (germline): Likely pathogenic (1 of 4 stars; one submission).

Conditions:
Hypertrophic cardiomyopathy. Also called: HYPERTROPHIC MYOCARDIOPATHY. Identifiers: Orphanet 217569, MedGen C0007194, MeSH D002312, MONDO:0005045, HP:0001639.

Submission:

Laboratory for Molecular Medicine, Mass General Brigham Personalized Medicine
Classification: Likely pathogenic for Hypertrophic cardiomyopathy. Last evaluated: 2013-08-27. Review status: criteria provided, single submitter. Criteria: LMM Criteria. Collection method: clinical testing. Allele origin: germline. Inheritance: Autosomal dominant inheritance. Observed: 1 variant allele.
Comment: It has not been identified in large populati on studies. This variant was predicted to be pathogenic using a computational to ol clinically validated by our laboratory. This tool's pathogenic prediction is estimated to be correct 94% of the time (Jordan 2011). Additional computational analyses (biochemical amino acid properties, conservation, AlignGVGD, PolyPhen2, and SIFT) suggest that this variant may impact the protein, though this informa tion is not predictive enough to determine pathogenicity. In addition, another v ariant at this position, Pro838Leu, has been identified as a de novo variant in 2 infants with RCM (Karam 2008; LMM unpublished data) and is classified as patho genic by our laboratory. In summary, the available data suggests that the Pro838 Gln variant is likely pathogenic, though additional studies are required to full y establish its clinical significance.

NM_000257.4(MYH7):c.2513C>A (p.Pro838Gln)

Genes: MYH7 (myosin heavy chain 7; minus strand), LOC126861898 (BRD4-independent group 4 enhancer GRCh37_chr14:23893609-23894808; plus strand). Cytogenetic location: 14q11.2.
Variant type: single nucleotide variant.
Coding change: c.2513C>A on transcript NM_000257.4 (MANE Select); coding-DNA position 2513, C replaced by A.
Protein change: p.Pro838Gln; replaces proline 838 with glutamine.
Molecular consequence: missense variant.
Genome position (GRCh38, 1-based): chr14:23,424,935, G>T on the plus strand (C>A on the coding strand, the complement: MYH7 is on the minus strand). VCF-style: chr14-23424935-G-T. GRCh37 (hg19) VCF-style: chr14-23894144-G-T.
Other names: short protein forms P838Q.
Identifiers: ClinVar variation 164329 (VCV000164329.4), dbSNP rs397516153, ClinGen allele CA012505.